The following is an entry in ClinVar:

ClinVar aggregate classification (germline): Benign/Likely benign. Review status: criteria provided, multiple submitters, no conflicts (2 of 4 stars). 6 submissions from 5 submitters: Benign (4); Likely benign (2). Last evaluated 2025-07-13.

Conditions:
Autosomal dominant nonsyndromic hearing loss 20. Identifiers: Orphanet 90635, MedGen C1858172, MONDO:0011480, OMIM 604717.
Baraitser-winter syndrome 2. Identifiers: Orphanet 2995, MedGen C3281235, MONDO:0013812, OMIM 614583.

Allele frequency attached by ClinVar (database versions not stated): gnomAD exomes 0.00006 and 0.00012; 1000 Genomes Project 30x 0.00016; ExAC 0.00016; gnomAD 0.00019; 1000 Genomes Project 0.00020; TOPMed 0.00030; ESP Exome Variant Server 0.00038.

Submissions (6):

Labcorp Genetics (formerly Invitae), Labcorp
Classification: Benign for Baraitser-winter syndrome 2; Autosomal dominant nonsyndromic hearing loss 20. Last evaluated: 2025-07-13. Review status: criteria provided, single submitter. Criteria: Invitae Variant Classification Sherloc (09022015). Collection method: clinical testing. Allele origin: germline.

Blueprint Genetics
Classification: Likely benign. Last evaluated: 2022-07-14. Review status: criteria provided, single submitter. Criteria: ACMG Guidelines, 2015. Collection method: clinical testing. Allele origin: germline.

Genome-Nilou Lab
Classification: Benign for Baraitser-winter syndrome 2. Last evaluated: 2021-12-05. Review status: criteria provided, single submitter. Criteria: ACMG Guidelines, 2015. Collection method: clinical testing. Allele origin: germline. Affected: no.

Genome-Nilou Lab
Classification: Benign for Autosomal dominant nonsyndromic hearing loss 20. Last evaluated: 2021-12-05. Review status: criteria provided, single submitter. Criteria: ACMG Guidelines, 2015. Collection method: clinical testing. Allele origin: germline. Affected: no.

GeneDx
Classification: Benign. Last evaluated: 2019-03-29. Review status: criteria provided, single submitter. Criteria: GeneDx Variant Classification Process June 2021. Collection method: clinical testing. Allele origin: germline. Affected: yes.

Laboratory for Molecular Medicine, Mass General Brigham Personalized Medicine
Classification: Likely benign. Last evaluated: 2012-04-30. Review status: criteria provided, single submitter. Criteria: LMM Criteria. Collection method: clinical testing. Allele origin: germline. Observed: 1 variant allele.
Comment: Tyr53Tyr in Exon 03 of ACTG1: This variant is not expected to have clinical sign ificance because it does not alter an amino acid residue, is not located within the splice consensus sequence, and has been identified in 0.1% (4/3736) of Afric an American chromosomes from a broad population by the NHLBI Exome Sequencing Pr oject (dbSNP rs139751304).

NM_001614.5(ACTG1):c.159C>T (p.Tyr53=)

Gene: ACTG1 (actin gamma 1; minus strand). Cytogenetic location: 17q25.3.
Variant type: single nucleotide variant.
Coding change: c.159C>T on transcript NM_001614.5 (MANE Select); coding-DNA position 159, C replaced by T.
Protein change: p.Tyr53=; no amino-acid change (tyrosine 53 retained).
Molecular consequence: synonymous variant. On other transcripts: non-coding transcript variant (1).
Genome position (GRCh38, 1-based): chr17:81,512,107, G>A on the plus strand (C>T on the coding strand, the complement: ACTG1 is on the minus strand). VCF-style: chr17-81512107-G-A. GRCh37 (hg19) VCF-style: chr17-79479133-G-A.
Other names: c.159C>T, p.Tyr53= (NM_001199954.3).
Identifiers: ClinVar variation 178288 (VCV000178288.16), dbSNP rs139751304, ClinGen allele CA182044.